The following is an entry in ClinVar:

ClinVar aggregate classification (germline): Uncertain significance (1 of 4 stars; one submission).

Allele frequency attached by ClinVar (database versions not stated): gnomAD 0.00002; ExAC 0.00004; gnomAD exomes 0.00004 and 0.00011; TOPMed 0.00004; ESP Exome Variant Server 0.00015.
gnomAD v4.1: 165 of 1,611,408 alleles (0.01%); highest among the groups gnomAD compares: Non-Finnish European, 0.013%; no homozygotes.

Submission:

GeneDx
Classification: Uncertain significance. Last evaluated: 2022-01-12. Review status: criteria provided, single submitter. Criteria: GeneDx Variant Classification Process June 2021. Collection method: clinical testing. Allele origin: germline. Affected: yes.
Comment: In silico analysis supports that this missense variant does not alter protein structure/function; Has not been previously published as pathogenic or benign to our knowledge

NM_001170535.3(ATAD3A):c.797A>G (p.Asn266Ser)

Gene: ATAD3A (ATPase family AAA domain containing 3A; plus strand). Cytogenetic location: 1p36.33.
Variant type: single nucleotide variant.
Coding change: c.797A>G on transcript NM_001170535.3 (MANE Select); coding-DNA position 797, A replaced by G.
Protein change: p.Asn266Ser; replaces asparagine 266 with serine.
Molecular consequence: missense variant.
Genome position (GRCh38, 1-based): chr1:1,522,790, A>G. VCF-style: chr1-1522790-A-G. GRCh37 (hg19) VCF-style: chr1-1458170-A-G.
Other names: c.560A>G, p.Asn187Ser (NM_001170536.3); c.941A>G, p.Asn314Ser (NM_018188.5); short protein forms N187S, N266S, N314S.
Identifiers: ClinVar variation 1700522 (VCV001700522.2), dbSNP rs371398161, ClinGen allele CA525986.